The following is an entry in ClinVar:

ClinVar aggregate classification (germline): Pathogenic (1 of 4 stars; one submission).

Conditions:
Hereditary cancer-predisposing syndrome. Also called: Tumor predisposition; Neoplastic Syndromes, Hereditary; Hereditary Cancer Syndrome; Hereditary neoplastic syndrome. Identifiers: Orphanet 140162, MedGen C0027672, MeSH D009386, MONDO:0015356.

Submission:

Ambry Genetics
Classification: Pathogenic for Hereditary cancer-predisposing syndrome. Last evaluated: 2018-03-26. Review status: criteria provided, single submitter. Criteria: Ambry Variant Classification Scheme 2023. Collection method: clinical testing. Allele origin: germline.
Comment: The p.Y2202* variant (also known as c.6606T>A), located in coding exon 45 of the ATM gene, results from a T to A substitution at nucleotide position 6606. This changes the amino acid from a tyrosine to a stop codon within coding exon 45. This alteration is expected to result in loss of function by premature protein truncation or nonsense-mediated mRNA decay. As such, this alteration is interpreted as a disease-causing mutation.

NM_000051.4(ATM):c.6606T>A (p.Tyr2202Ter)

Genes: ATM (ATM serine/threonine kinase; plus strand), C11orf65 (chromosome 11 open reading frame 65; minus strand). Cytogenetic location: 11q22.3.
Variant type: single nucleotide variant.
Coding change: c.6606T>A on transcript NM_000051.4 (MANE Select); coding-DNA position 6606, T replaced by A.
Protein change: p.Tyr2202Ter; replaces tyrosine 2202 with a stop codon.
Molecular consequence: nonsense. On other transcripts: intron variant (2).
Genome position (GRCh38, 1-based): chr11:108,325,343, T>A. VCF-style: chr11-108325343-T-A. GRCh37 (hg19) VCF-style: chr11-108196070-T-A.
Other names: c.6606T>A, p.Tyr2202Ter (NM_001351834.2); c.641-16272A>T (NM_001330368.2); c.*38+9877A>T (NM_001351110.2); short protein forms Y2202*.
Identifiers: ClinVar variation 826508 (VCV000826508.6), dbSNP rs1367617850, ClinGen allele CA382554713.